The following is an entry in ClinVar:

NM_004434.3(EML1):c.753_765del (p.Ser252fs)

Gene: EML1 (EMAP like 1; plus strand). Cytogenetic location: 14q32.2.
Variant type: Deletion.
Coding change: c.753_765del on transcript NM_004434.3 (MANE Select); coding-DNA positions 753 to 765, 13 bases deleted (ATCCGTGGTGGTG).
Protein change: p.Ser252fs; shifts the reading frame from serine 252.
Molecular consequence: frameshift variant.
Genome position (GRCh38, 1-based): chr14:99,897,220-99,897,232, ATCCGTGGTGGTG deleted. VCF-style (leftmost placement, unchanged base first): chr14-99897219-CATCCGTGGTGGTG-C. GRCh37 (hg19) VCF-style: chr14-100363556-CATCCGTGGTGGTG-C.
Other names: c.810_822del, p.Ser271fs (NM_001008707.2); c.714_726del, p.Ser239fs (NM_001375411.1); c.753_765del, p.Ser252fs (NM_001375412.1); short protein forms S271fs, S239fs, S252fs.
Identifiers: ClinVar variation 2754922 (VCV002754922.3), dbSNP rs2059685666, ClinGen allele CA2158604776.

ClinVar aggregate classification (germline): Pathogenic (1 of 4 stars; one submission).

Submission:

Labcorp Genetics (formerly Invitae), Labcorp
Classification: Pathogenic. Last evaluated: 2024-01-22. Review status: criteria provided, single submitter. Criteria: Invitae Variant Classification Sherloc (09022015). Collection method: clinical testing. Allele origin: germline.
Comment: This sequence change creates a premature translational stop signal (p.Ser252Tyrfs*19) in the EML1 gene. It is expected to result in an absent or disrupted protein product. Loss-of-function variants in EML1 are known to be pathogenic (PMID: 24859200, 31173351). This variant is not present in population databases (gnomAD no frequency). This variant has not been reported in the literature in individuals affected with EML1-related conditions. For these reasons, this variant has been classified as Pathogenic.

Literature cited by the submitters: PubMed 24859200; PubMed 31173351.